The following is an entry in ClinVar:

NM_182760.4(SUMF1):c.266C>G (p.Ser89Ter)

Genes: SUMF1 (sulfatase modifying factor 1; minus strand), LOC129936056 (ATAC-STARR-seq lymphoblastoid silent region 14016; plus strand). Cytogenetic location: 3p26.1.
Variant type: single nucleotide variant.
Coding change: c.266C>G on transcript NM_182760.4 (MANE Select); coding-DNA position 266, C replaced by G.
Protein change: p.Ser89Ter; replaces serine 89 with a stop codon.
Molecular consequence: nonsense.
Genome position (GRCh38, 1-based): chr3:4,466,980, G>C on the plus strand (C>G on the coding strand, the complement: SUMF1 is on the minus strand). VCF-style: chr3-4466980-G-C. GRCh37 (hg19) VCF-style: chr3-4508664-G-C.
Other names: c.266C>G, p.Ser89Ter (NM_001164674.2, NM_001164675.2); short protein forms S89*.
Identifiers: ClinVar variation 646769 (VCV000646769.6), dbSNP rs1575266034, ClinGen allele CA351794087.

ClinVar aggregate classification (germline): Pathogenic (1 of 4 stars; one submission).

Conditions:
Multiple sulfatase deficiency (MSD). Also called: Mucosulfatidosis; Multiple Sulfatase Deficiency Disease; Sulfatidosis, Juvenile, Austin Type. Identifiers: Orphanet 585, MedGen C0268263, MONDO:0010088, OMIM 272200.

Submission:

Labcorp Genetics (formerly Invitae), Labcorp
Classification: Pathogenic for Multiple sulfatase deficiency. Last evaluated: 2022-04-11. Review status: criteria provided, single submitter. Criteria: Invitae Variant Classification Sherloc (09022015). Collection method: clinical testing. Allele origin: germline.
Comment: For these reasons, this variant has been classified as Pathogenic. ClinVar contains an entry for this variant (Variation ID: 646769). This variant has not been reported in the literature in individuals affected with SUMF1-related conditions. This variant is not present in population databases (gnomAD no frequency). This sequence change creates a premature translational stop signal (p.Ser89*) in the SUMF1 gene. It is expected to result in an absent or disrupted protein product. Loss-of-function variants in SUMF1 are known to be pathogenic (PMID: 12757705, 12757706, 25885655).

Literature cited by the submitters: PubMed 12757705; PubMed 12757706; PubMed 25885655.